The following is an entry in ClinVar:

ClinVar aggregate classification (germline): Uncertain significance (1 of 4 stars; one submission).

Submission:

GeneDx
Classification: Uncertain significance. Last evaluated: 2023-04-13. Review status: criteria provided, single submitter. Criteria: GeneDx Variant Classification Process June 2021. Collection method: clinical testing. Allele origin: germline. Affected: yes.
Comment: Not observed at significant frequency in large population cohorts (gnomAD); In silico analysis supports that this missense variant has a deleterious effect on protein structure/function; Has not been previously published as pathogenic or benign to our knowledge

NM_021922.3(FANCE):c.1172G>C (p.Cys391Ser)

Gene: FANCE (FA complementation group E; plus strand). Cytogenetic location: 6p21.31.
Variant type: single nucleotide variant.
Coding change: c.1172G>C on transcript NM_021922.3 (MANE Select); coding-DNA position 1172, G replaced by C.
Protein change: p.Cys391Ser; replaces cysteine 391 with serine.
Molecular consequence: missense variant.
Genome position (GRCh38, 1-based): chr6:35,459,389, G>C. VCF-style: chr6-35459389-G-C. GRCh37 (hg19) VCF-style: chr6-35427166-G-C.
Other names: c.1172G>C, p.Cys391Ser (NM_001410876.1); short protein forms C391S.
Identifiers: ClinVar variation 3343067 (VCV003343067.1).